The following is an entry in ClinVar:

NM_001145026.2(PTPRQ):c.1292G>A (p.Arg431Gln)

Gene: PTPRQ (protein tyrosine phosphatase receptor type Q; plus strand). Cytogenetic location: 12q21.31.
Variant type: single nucleotide variant.
Coding change: c.1292G>A on transcript NM_001145026.2 (MANE Select); coding-DNA position 1292, G replaced by A.
Protein change: p.Arg431Gln; replaces arginine 431 with glutamine.
Molecular consequence: missense variant.
Genome position (GRCh38, 1-based): chr12:80,484,538, G>A. VCF-style: chr12-80484538-G-A. GRCh37 (hg19) VCF-style: chr12-80878317-G-A.
Other names: NC_000012.11:g.80878317G>A; short protein forms R431Q.
Identifiers: ClinVar variation 511505 (VCV000511505.4), dbSNP rs57971665, ClinGen allele CA6702412.

ClinVar aggregate classification (germline): Benign. Review status: criteria provided, multiple submitters, no conflicts (2 of 4 stars). 3 submissions from 3 submitters: Benign (3). Last evaluated 2018-12-06.

Allele frequency attached by ClinVar (database versions not stated): gnomAD exomes 0.03758; 1000 Genomes Project 30x 0.09416; gnomAD 0.07599 and 0.07281; ExAC 0.03453; ESP Exome Variant Server 0.06154; TOPMed 0.08518; 1000 Genomes Project 0.09245.
gnomAD v4.1: 27,965 of 1,550,872 alleles (1.8%); highest among the groups gnomAD compares: African/African-American, 22%; 2,243 homozygotes.

Submissions (6):

Athena Diagnostics
Classification: Benign. Last evaluated: 2018-12-06. Review status: criteria provided, single submitter. Criteria: Athena Diagnostics Criteria. Collection method: clinical testing. Allele origin: germline.

GeneDx
Classification: Benign. Last evaluated: 2017-11-22. Review status: criteria provided, single submitter. Criteria: GeneDx Variant Classification (06012015). Collection method: clinical testing. Allele origin: germline. Affected: yes.
Comment: This variant is considered likely benign or benign based on one or more of the following criteria: it is a conservative change, it occurs at a poorly conserved position in the protein, it is predicted to be benign by multiple in silico algorithms, and/or has population frequency not consistent with disease.

Breakthrough Genomics
Classification: Benign. Review status: criteria provided, single submitter. Criteria: ACMG Guidelines, 2015. Collection method: not provided. Allele origin: germline. Inheritance: Autosomal recessive inheritance. Affected: yes.

Dr. Peter K. Rogan Lab, Western University
No classification provided (evidence only). Condition: Hepatocellular carcinoma. Review status: no classification provided. Collection method: in vitro. Allele origin: not applicable. Functional consequence: retained intron. Not counted in ClinVar's aggregate classification.

Dr. Peter K. Rogan Lab, Western University
No classification provided (evidence only). Condition: Uterine carcinosarcoma. Review status: no classification provided. Collection method: in vitro. Allele origin: not applicable. Functional consequence: retained intron. Not counted in ClinVar's aggregate classification.

Dr. Peter K. Rogan Lab, Western University
No classification provided (evidence only). Condition: Malignant tumor of esophagus. Review status: no classification provided. Collection method: in vitro. Allele origin: not applicable. Functional consequence: retained intron. Not counted in ClinVar's aggregate classification.